The following is an entry in ClinVar:

NM_018136.5(ASPM):c.1235_1239del (p.Lys412fs)

Gene: ASPM (assembly factor for spindle microtubules; minus strand). Cytogenetic location: 1q31.3.
Variant type: Deletion.
Coding change: c.1235_1239del on transcript NM_018136.5 (MANE Select); coding-DNA positions 1235 to 1239, 5 bases deleted (AAGTA; older notation c.1235_1239delAAGTA).
Protein change: p.Lys412fs; shifts the reading frame from lysine 412.
Molecular consequence: frameshift variant.
Genome position (GRCh38, 1-based): chr1:197,143,013-197,143,017, TACTT deleted on the plus strand (AAGTA on the coding strand, the reverse complement: ASPM is on the minus strand); deleting any 5 consecutive bases within chr1:197,143,013-197,143,020 gives the same sequence; the c. name uses the placement nearest the transcript's 3' end. VCF-style (leftmost placement, unchanged base first): chr1-197143012-GTACTT-G. GRCh37 (hg19) VCF-style: chr1-197112142-GTACTT-G.
Other names: c.1235_1239del, p.Lys412fs (NM_001206846.2); short protein forms K412fs.
Identifiers: ClinVar variation 817084 (VCV000817084.1), dbSNP rs1291666293, ClinGen allele CA528535227.

ClinVar aggregate classification (germline): Pathogenic (1 of 4 stars; one submission).

Submission:

GeneDx
Classification: Pathogenic. Last evaluated: 2018-11-19. Review status: criteria provided, single submitter. Criteria: GeneDx Variant Classification (06012015). Collection method: clinical testing. Allele origin: germline. Affected: yes.
Comment: The c.1235_1239delAAGTA pathogenic variant in the ASPM gene has been reported previously in in the homozygous state in multiple individuals with primary autosomal recessive microcephaly (Ahmad et al., 2017). The deletion causes a frameshift starting with codon Lysine 412 changes this amino acid to a Threonine residue and creates a premature Stop codon at position 5 of the new reading frame, denoted of the new reading frame, denoted p.Lys412ThrfsX5. This pathogenic variant is predicted to cause loss of normal protein function either through protein truncation or nonsense-mediated mRNA decay.